The following is an entry in ClinVar:

NM_020297.4(ABCC9):c.456G>C (p.Leu152Phe)

Gene: ABCC9 (ATP binding cassette subfamily C member 9; minus strand). Cytogenetic location: 12p12.1.
Variant type: single nucleotide variant.
Coding change: c.456G>C on transcript NM_020297.4 (MANE Select); coding-DNA position 456, G replaced by C.
Protein change: p.Leu152Phe; replaces leucine 152 with phenylalanine.
Molecular consequence: missense variant. On other transcripts: intron variant (1).
Genome position (GRCh38, 1-based): chr12:21,917,054, C>G on the plus strand (G>C on the coding strand, the complement: ABCC9 is on the minus strand). VCF-style: chr12-21917054-C-G. GRCh37 (hg19) VCF-style: chr12-22069988-C-G.
Other names: c.456G>C, p.Leu152Phe (NM_001377273.1, NM_005691.4); c.-48-3988G>C (NM_001377274.1); short protein forms L152F.
Identifiers: ClinVar variation 4882812 (VCV004882812.2).

ClinVar aggregate classification (germline): Uncertain significance (1 of 4 stars; one submission).

Conditions:
Hypertrichotic osteochondrodysplasia Cantu type. Also called: Cantu Syndrome; Cantú Syndrome. Identifiers: Orphanet 1517, MedGen C0795905, MONDO:0009406, OMIM 239850.

Submission:

Dasa
Classification: Uncertain significance for Hypertrichotic osteochondrodysplasia Cantu type. Last evaluated: 2025-04-28. Review status: criteria provided, single submitter. Criteria: DASA Assertion Criteria. Collection method: clinical testing. Allele origin: germline.
Comment: NM_020297.4(ABCC9):c.456G>C (p.Leu152Phe) is a missense variant that results in the substitution of leucine with phenylalanine. This variant is absent from population databases. The currently available literature and clinical evidence are not sufficient to establish a definitive association between this variant and the reported condition. Therefore, this variant is classified as a variant of uncertain significance.